The following is an entry in ClinVar:

NM_006946.4(SPTBN2):c.1567C>T (p.Arg523Trp)

Gene: SPTBN2 (spectrin beta, non-erythrocytic 2; minus strand). Cytogenetic location: 11q13.2.
Variant type: single nucleotide variant.
Coding change: c.1567C>T on transcript NM_006946.4 (MANE Select); coding-DNA position 1567, C replaced by T.
Protein change: p.Arg523Trp; replaces arginine 523 with tryptophan.
Molecular consequence: missense variant.
Genome position (GRCh38, 1-based): chr11:66,707,602, G>A on the plus strand (C>T on the coding strand, the complement: SPTBN2 is on the minus strand). VCF-style: chr11-66707602-G-A. GRCh37 (hg19) VCF-style: chr11-66475073-G-A.
Other names: c.1588C>T, p.Arg530Trp (NM_001411025.1); short protein forms R530W, R523W.
Identifiers: ClinVar variation 3571571 (VCV003571571.1).

ClinVar aggregate classification (germline): Uncertain significance (1 of 4 stars; one submission).

gnomAD v4.1: 20 of 1,611,466 alleles (0.0012%); highest among the groups gnomAD compares: Middle Eastern, 0.016%; no homozygotes.

Submission:

Athena Diagnostics
Classification: Uncertain significance. Last evaluated: 2024-02-23. Review status: criteria provided, single submitter. Criteria: Athena Diagnostics Criteria. Collection method: clinical testing. Allele origin: unknown.
Comment: Available data are insufficient to determine the clinical significance of the variant at this time. The frequency of this variant in the general population is higher than would generally be expected for pathogenic variants in this gene. Computational tools disagree on the variant's effect on normal protein function.